The following is an entry in ClinVar:

ClinVar aggregate classification (germline): Benign (1 of 4 stars; one submission).

Allele frequency attached by ClinVar (database versions not stated): 1000 Genomes Project 30x 0.21736; 1000 Genomes Project 0.21985; TOPMed 0.28576.
gnomAD v4.1: 45,290 of 152,138 alleles (30%); highest among the groups gnomAD compares: Non-Finnish European, 38%; 7,532 homozygotes.

Submission:

GeneDx
Classification: Benign. Last evaluated: 2018-06-14. Review status: criteria provided, single submitter. Criteria: GeneDx Variant Classification (06012015). Collection method: clinical testing. Allele origin: germline. Affected: yes.
Comment: This variant is considered likely benign or benign based on one or more of the following criteria: it is a conservative change, it occurs at a poorly conserved position in the protein, it is predicted to be benign by multiple in silico algorithms, and/or has population frequency not consistent with disease.

NM_001378615.1(CC2D2A):c.39+217C>G

Genes: CC2D2A (coiled-coil and C2 domain containing 2A; plus strand), FBXL5 (F-box and leucine rich repeat protein 5; minus strand). Cytogenetic location: 4p15.32.
Variant type: single nucleotide variant.
Coding change: c.39+217C>G on transcript NM_001378615.1 (MANE Select); 217 bases into the intron after coding-DNA position 39, C replaced by G.
Molecular consequence: intron variant.
Genome position (GRCh38, 1-based): chr4:15,476,188, C>G. VCF-style: chr4-15476188-C-G. GRCh37 (hg19) VCF-style: chr4-15477812-C-G.
Other names: c.39+217C>G (NM_020785.2, NM_001164720.3, NM_001080522.2).
Identifiers: ClinVar variation 678280 (VCV000678280.1), dbSNP rs13118306, ClinGen allele CA11638981.
Genomic context (GRCh38, chr4:15,476,188, plus strand): 5'-AAAGAACGATTTGTGAATTGGGCAGCCCTCAGAACCTGAAGAGATTCAGAGAGCTCTGCT[C>G]TGCTCTGTGGGCAGACAGCATCTATGGACTGAAGATGGAAGTGGAGTACAGAAACAGCTT-3'